The following is an entry in ClinVar:

ClinVar aggregate classification (germline): Likely benign. Review status: criteria provided, single submitter (1 of 4 stars). 2 submissions from 2 submitters: Likely benign (1). 1 of the submissions does not count toward it. Last evaluated 2023-03-23.

Conditions:
Breast-ovarian cancer, familial, susceptibility to, 2 (BROVCA2). Also called: BRCA2 Hereditary Breast and Ovarian Cancer. Identifiers: Orphanet 145, MedGen C2675520, MONDO:0012933, OMIM 612555. Disease mechanism: loss of function.
Hereditary cancer-predisposing syndrome. Also called: Neoplastic Syndromes, Hereditary; Tumor predisposition; Hereditary Cancer Syndrome; Hereditary neoplastic syndrome. Identifiers: Orphanet 140162, MedGen C0027672, MeSH D009386, MONDO:0015356.

Submissions (2):

University of Washington Department of Laboratory Medicine, University of Washington
Classification: Likely benign for Hereditary cancer-predisposing syndrome. Last evaluated: 2023-03-23. Review status: criteria provided, single submitter. Criteria: Dines et al. (Genet Med. 2020). Collection method: curation. Allele origin: germline.
Comment: Missense variant in a coldspot region where missense variants are very unlikely to be pathogenic (PMID:31911673).

BRCA2 exon 11 coldspot. Reclassification based on statistical prior probability.

Breast Cancer Information Core (BIC) (BRCA2)
Classification: Uncertain significance for Breast-ovarian cancer, familial 2. Last evaluated: 2003-01-24. Review status: no assertion criteria provided. Collection method: clinical testing. Allele origin: germline. Affected: yes. Observed: 1 variant allele. Not counted in ClinVar's aggregate classification.

NM_000059.4(BRCA2):c.2275C>T (p.Leu759Phe)

Gene: BRCA2 (BRCA2 DNA repair associated; plus strand). Cytogenetic location: 13q13.1.
Variant type: single nucleotide variant.
Coding change: c.2275C>T on transcript NM_000059.4 (MANE Select); coding-DNA position 2275, C replaced by T.
Protein change: p.Leu759Phe; replaces leucine 759 with phenylalanine.
Molecular consequence: missense variant.
Genome position (GRCh38, 1-based): chr13:32,336,630, C>T. VCF-style: chr13-32336630-C-T. GRCh37 (hg19) VCF-style: chr13-32910767-C-T.
Other names: short protein forms L759F.
Identifiers: ClinVar variation 51264 (VCV000051264.4), dbSNP rs80358497, ClinGen allele CA014843.
Genomic context (GRCh38, chr13:32,336,630, plus strand): 5'-CACCCAGTACAACATTCAAAAGTGGAATACAGTGATACTGACTTTCAATCCCAGAAAAGT[C>T]TTTTATATGATCATGAAAATGCCAGCACTCTTATTTTAACTCCTACTTCCAAGGATGTTC-3'
Protein context (NP_000050.3, residues 749-769): SDTDFQSQKS[Leu759Phe]LYDHENASTL